The following is an entry in ClinVar:

ClinVar aggregate classification (germline): Pathogenic/Likely pathogenic. Review status: criteria provided, multiple submitters, no conflicts (2 of 4 stars). 2 submissions from 2 submitters: Pathogenic (1); Likely pathogenic (1). Last evaluated 2025-05-21.

Conditions:
Finnish congenital nephrotic syndrome (NPHS1). Also called: NEPHROTIC SYNDROME, TYPE 1. Identifiers: Orphanet 839, MedGen C0403399, MONDO:0009732, OMIM 256300.

Submissions (2):

Natera, Inc.
Classification: Likely pathogenic for Finnish congenital nephrotic syndrome. Last evaluated: 2025-05-21. Review status: criteria provided, single submitter. Criteria: Natera Variant Classification Schema (03/2026). Collection method: clinical testing. Allele origin: germline.
Comment: The c.1172_1181del variant in NPHS1 is a frameshift variant predicted to shift the reading frame beginning at codon 391 and leads to a stop codon 9 codons downstream. This variant is expected to result in nonsense mediated decay, truncation, or a dysfunctional protein product. This variant is rare in the general population with a frequency below the threshold expected for the associated phenotype(s). Given the available evidence, this variant is classified as Likely Pathogenic.

Labcorp Genetics (formerly Invitae), Labcorp
Classification: Pathogenic. Last evaluated: 2022-02-27. Review status: criteria provided, single submitter. Criteria: Invitae Variant Classification Sherloc (09022015). Collection method: clinical testing. Allele origin: germline.
Comment: For these reasons, this variant has been classified as Pathogenic. This variant has not been reported in the literature in individuals affected with NPHS1-related conditions. This variant is not present in population databases (gnomAD no frequency). This sequence change creates a premature translational stop signal (p.Gly391Alafs*9) in the NPHS1 gene. It is expected to result in an absent or disrupted protein product. Loss-of-function variants in NPHS1 are known to be pathogenic (PMID: 11317351, 11854170, 12039988).

Literature cited by the submitters: PubMed 11317351 (cited by Labcorp Genetics (formerly Invitae), Labcorp); PubMed 11854170 (cited by Labcorp Genetics (formerly Invitae), Labcorp); PubMed 12039988 (cited by Labcorp Genetics (formerly Invitae), Labcorp).

NM_004646.3(NPHS1):c.1172_1181del

Gene: NPHS1 (NPHS1 adhesion molecule, nephrin; minus strand). Cytogenetic location: 19q13.12.
Variant type: Deletion.
Coding change: c.1172_1181del on transcript NM_004646.3; coding-DNA positions 1172 to 1181, 10 bases deleted (GACTGCATGG; older notation c.1172_1181delGACTGCATGG).
Genome position (GRCh38, 1-based): chr19:35,848,387-35,848,396, CCATGCAGTC deleted on the plus strand (GACTGCATGG on the coding strand, the reverse complement: NPHS1 is on the minus strand); deleting any 10 consecutive bases within chr19:35,848,387-35,848,398 gives the same sequence; the c. name uses the placement nearest the transcript's 3' end. VCF-style (leftmost placement, unchanged base first): chr19-35848386-GCCATGCAGTC-G. GRCh37 (hg19) VCF-style: chr19-36339288-GCCATGCAGTC-G.
Identifiers: ClinVar variation 1970777 (VCV001970777.6), dbSNP rs2513776999, ClinGen allele CA2580096879.